The following is an entry in ClinVar:

ClinVar aggregate classification (germline): Benign/Likely benign. Review status: criteria provided, multiple submitters, no conflicts (2 of 4 stars). 2 submissions from 2 submitters: Benign (1); Likely benign (1). Last evaluated 2025-06-12.

Conditions:
Intellectual developmental disorder, X-linked 1. Also called: Atkin Flaitz Patil Smith syndrome; MENTAL RETARDATION, X-LINKED 18; MENTAL RETARDATION, X-LINKED 78; Intellectual disability, X-linked 1. Identifiers: Orphanet 777, MedGen C2931498, MONDO:0010656, OMIM 309530.

Allele frequency attached by ClinVar (database versions not stated): TOPMed 0.00004; gnomAD exomes 0.00001 and below 0.00001; gnomAD 0.00006 and 0.00007.
gnomAD v4.1: 12 of 1,209,890 alleles (0.00099%); highest among the groups gnomAD compares: African/African-American, 0.016%; no homozygotes.

Submissions (2):

Labcorp Genetics (formerly Invitae), Labcorp
Classification: Benign for Intellectual developmental disorder, X-linked 1. Last evaluated: 2025-06-12. Review status: criteria provided, single submitter. Criteria: Invitae Variant Classification Sherloc (09022015). Collection method: clinical testing. Allele origin: germline.

GeneDx
Classification: Likely benign. Last evaluated: 2018-03-29. Review status: criteria provided, single submitter. Criteria: GeneDx Variant Classification (06012015). Collection method: clinical testing. Allele origin: germline. Affected: yes.
Comment: This variant is considered likely benign or benign based on one or more of the following criteria: it is a conservative change, it occurs at a poorly conserved position in the protein, it is predicted to be benign by multiple in silico algorithms, and/or has population frequency not consistent with disease.

NM_001111125.3(IQSEC2):c.2262G>A (p.Arg754=)

Gene: IQSEC2 (IQ motif and Sec7 domain ArfGEF 2; minus strand). Cytogenetic location: Xp11.22.
Variant type: single nucleotide variant.
Coding change: c.2262G>A on transcript NM_001111125.3 (MANE Select); coding-DNA position 2262, G replaced by A.
Protein change: p.Arg754=; no amino-acid change (arginine 754 retained).
Molecular consequence: synonymous variant.
Genome position (GRCh38, 1-based): chrX:53,250,314, C>T on the plus strand (G>A on the coding strand, the complement: IQSEC2 is on the minus strand). VCF-style: chrX-53250314-C-T. GRCh37 (hg19) VCF-style: chrX-53279496-C-T.
Other names: c.1647G>A, p.Arg549= (NM_015075.2).
Identifiers: ClinVar variation 681087 (VCV000681087.10), dbSNP rs1408670208, ClinGen allele CA516429251.